The following is an entry in ClinVar:

ClinVar aggregate classification (germline): Uncertain significance (1 of 4 stars; one submission).

Allele frequency attached by ClinVar (database versions not stated): TOPMed below 0.00001.

Submission:

Labcorp Genetics (formerly Invitae), Labcorp
Classification: Uncertain significance. Last evaluated: 2022-05-07. Review status: criteria provided, single submitter. Criteria: Invitae Variant Classification Sherloc (09022015). Collection method: clinical testing. Allele origin: germline.
Comment: This variant has not been reported in the literature in individuals affected with MTTP-related conditions. In summary, the available evidence is currently insufficient to determine the role of this variant in disease. Therefore, it has been classified as a Variant of Uncertain Significance. Algorithms developed to predict the effect of missense changes on protein structure and function are either unavailable or do not agree on the potential impact of this missense change (SIFT: "Tolerated"; PolyPhen-2: "Possibly Damaging"; Align-GVGD: "Class C0"). This variant is not present in population databases (gnomAD no frequency). This sequence change replaces glycine, which is neutral and non-polar, with serine, which is neutral and polar, at codon 25 of the MTTP protein (p.Gly25Ser).

NM_001386140.1(MTTP):c.73G>A (p.Gly25Ser)

Gene: MTTP (microsomal triglyceride transfer protein; plus strand). Cytogenetic location: 4q23.
Variant type: single nucleotide variant.
Coding change: c.73G>A on transcript NM_001386140.1 (MANE Select); coding-DNA position 73, G replaced by A.
Protein change: p.Gly25Ser; replaces glycine 25 with serine.
Molecular consequence: missense variant. On other transcripts: 5 prime UTR variant (1).
Genome position (GRCh38, 1-based): chr4:99,581,916, G>A. VCF-style: chr4-99581916-G-A. GRCh37 (hg19) VCF-style: chr4-100503073-G-A.
Other names: c.73G>A, p.Gly25Ser (NM_000253.4); c.-177G>A (NM_001300785.2); short protein forms G25S.
Identifiers: ClinVar variation 2133532 (VCV002133532.4), dbSNP rs890665382, ClinGen allele CA357500520.